The following is an entry in ClinVar:

ClinVar aggregate classification (germline): Uncertain significance. Review status: criteria provided, multiple submitters, no conflicts (2 of 4 stars). 2 submissions from 2 submitters: Uncertain significance (2). Last evaluated 2024-07-26.

Conditions:
RYR1-related disorder. Also called: RYR1-related condition; RYR1-related disorders. Identifiers: MedGen CN239331.
Malignant hyperthermia, susceptibility to, 1 (MHS1). Also called: Anesthesia related hyperthermia; Malignant hyperpyrexia; Fulminating hyperpyrexia; Pharmacogenic myopathy; RYR1-Related Malignant Hyperthermia Susceptibility; Malignant hyperthermia suceptibility 1. Identifiers: Orphanet 423, MedGen C2930980, MONDO:0007783, OMIM 145600.

Submissions (2):

Labcorp Genetics (formerly Invitae), Labcorp
Classification: Uncertain significance for RYR1-related disorder. Last evaluated: 2024-07-26. Review status: criteria provided, single submitter. Criteria: Invitae Variant Classification Sherloc (09022015). Collection method: clinical testing. Allele origin: germline.
Comment: This sequence change replaces proline, which is neutral and non-polar, with serine, which is neutral and polar, at codon 2496 of the RYR1 protein (p.Pro2496Ser). This variant is not present in population databases (gnomAD no frequency). This variant has not been reported in the literature in individuals affected with RYR1-related conditions. Advanced modeling of protein sequence and biophysical properties (such as structural, functional, and spatial information, amino acid conservation, physicochemical variation, residue mobility, and thermodynamic stability) performed at Invitae indicates that this missense variant is expected to disrupt RYR1 protein function with a positive predictive value of 95%. In summary, the available evidence is currently insufficient to determine the role of this variant in disease. Therefore, it has been classified as a Variant of Uncertain Significance.

All of Us Research Program, National Institutes of Health
Classification: Uncertain significance for Malignant hyperthermia, susceptibility to, 1. Last evaluated: 2023-05-30. Review status: criteria provided, single submitter. Criteria: ACMG Guidelines, 2015. Collection method: clinical testing. Allele origin: germline. Inheritance: Autosomal dominant inheritance. Observed: 1 variant allele, 1 heterozygote.
Comment: This missense variant replaces proline with serine at codon 2496 of the RYR1 protein. Computational prediction suggests that this variant may have deleterious impact on protein structure and function (internally defined REVEL score threshold >= 0.7, PMID: 27666373). To our knowledge, functional studies have not been reported for this variant. This variant has not been reported in individuals affected with RYR1-related disorders in the literature. This variant has not been identified in the general population by the Genome Aggregation Database (gnomAD). The available evidence is insufficient to determine the role of this variant in disease conclusively. Therefore, this variant is classified as a Variant of Uncertain Significance.

This study involves interpretation of variants in research participants for the purpose of population health screening. Participant phenotype was not available at the time of variant classification. Additional details can be found in publication PMID: 35346344, PMCID: PMC8962531

NM_000540.3(RYR1):c.7486C>T (p.Pro2496Ser)

Gene: RYR1 (ryanodine receptor 1; plus strand). Cytogenetic location: 19q13.2.
Variant type: single nucleotide variant.
Coding change: c.7486C>T on transcript NM_000540.3 (MANE Select); coding-DNA position 7486, C replaced by T.
Protein change: p.Pro2496Ser; replaces proline 2496 with serine.
Molecular consequence: missense variant.
Genome position (GRCh38, 1-based): chr19:38,500,862, C>T. VCF-style: chr19-38500862-C-T. GRCh37 (hg19) VCF-style: chr19-38991502-C-T.
Other names: c.7486C>T, p.Pro2496Ser (NM_001042723.2); short protein forms P2496S.
Identifiers: ClinVar variation 3071320 (VCV003071320.3), dbSNP rs2514321913, ClinGen allele CA405670305.